The following is an entry in ClinVar:

NM_000038.6(APC):c.3968T>G (p.Val1323Gly)

Gene: APC (APC regulator of WNT signaling pathway; plus strand). Cytogenetic location: 5q22.2.
Variant type: single nucleotide variant.
Coding change: c.3968T>G on transcript NM_000038.6 (MANE Select); coding-DNA position 3968, T replaced by G.
Protein change: p.Val1323Gly; replaces valine 1323 with glycine.
Molecular consequence: missense variant. On other transcripts: non-coding transcript variant (2).
Genome position (GRCh38, 1-based): chr5:112,839,562, T>G. VCF-style: chr5-112839562-T-G. GRCh37 (hg19) VCF-style: chr5-112175259-T-G.
Other names: c.3968T>G, p.Val1323Gly (NM_001127510.3, NM_001354895.2, NM_001407450.1); c.3914T>G, p.Val1305Gly (NM_001127511.3); c.4022T>G, p.Val1341Gly (NM_001354896.2, NM_001407447.1, NM_001407448.1 and 1 more transcripts); c.3998T>G, p.Val1333Gly (NM_001354897.2); c.3893T>G, p.Val1298Gly (NM_001354898.2); c.3884T>G, p.Val1295Gly (NM_001354899.2); c.3845T>G, p.Val1282Gly (NM_001354900.2); c.3791T>G, p.Val1264Gly (NM_001354901.2, NM_001407453.1); and 11 more; short protein forms V1040G, V1163G, V1194G, V1197G, V1222G, V1232G, V1240G, V1264G.
Identifiers: ClinVar variation 3341067 (VCV003341067.1).

ClinVar aggregate classification (germline): Uncertain significance (1 of 4 stars; one submission).

Submission:

GeneDx
Classification: Uncertain significance. Last evaluated: 2023-08-15. Review status: criteria provided, single submitter. Criteria: GeneDx Variant Classification Process June 2021. Collection method: clinical testing. Allele origin: germline. Affected: yes.
Comment: Not observed at significant frequency in large population cohorts (gnomAD); In silico analysis supports that this missense variant does not alter protein structure/function; Has not been previously published as pathogenic or benign to our knowledge; This variant is associated with the following publications: (PMID: 18199528)